The following is an entry in ClinVar:

NC_000003.11:g.(?_10183522)_(10188330_?)dup

Gene: VHL (von Hippel-Lindau tumor suppressor; plus strand). Cytogenetic location: 3p25.3.
Variant type: Duplication.
Identifiers: ClinVar variation 1056027 (VCV001056027.1).

ClinVar aggregate classification (germline): Uncertain significance (1 of 4 stars; one submission).

Conditions:
Chuvash polycythemia. Also called: POLYCYTHEMIA, VHL-DEPENDENT. Identifiers: Orphanet 238557, MedGen C1837915, MONDO:0009892, OMIM 263400.
Von Hippel-Lindau syndrome (VHLS). Also called: Von Hippel-Lindau; von Hippel–Lindau syndrome; VHL syndrome. Identifiers: Orphanet 892, MedGen C0019562, MONDO:0008667, OMIM 193300. Disease mechanism: loss of function.

Submission:

Labcorp Genetics (formerly Invitae), Labcorp
Classification: Uncertain significance for Von Hippel-Lindau syndrome; Chuvash polycythemia. Last evaluated: 2018-12-31. Review status: criteria provided, single submitter. Criteria: Invitae Variant Classification Sherloc (09022015). Collection method: clinical testing. Allele origin: germline.
Comment: This variant results in a copy number gain of the genomic region encompassing exons 1-2 of the VHL gene. The 5' end of this event is unknown as it extends beyond the assayed region for this gene and therefore may encompass additional genes. The 3' boundary is likely confined to intron 2 of the VHL gene. As the precise location of this event is unknown, it may be in tandem or it may be located elsewhere in the genome. This variant has not been reported in the literature in individuals with VHL-related conditions. In summary, the available evidence is currently insufficient to determine the role of this variant in disease. Therefore, it has been classified as a Variant of Uncertain Significance.